The following is an entry in ClinVar:

ClinVar aggregate classification (germline): Likely benign (0 of 4 stars; one submission).

Conditions:
EP300-related disorder. Also called: EP300-related condition; EP300-related disorders.

Submission:

PreventionGenetics, part of Exact Sciences
Classification: Likely benign for EP300-related condition. Last evaluated: 2024-07-19. Review status: no assertion criteria provided. Collection method: clinical testing. Allele origin: germline.
Comment: This variant is classified as likely benign based on ACMG/AMP sequence variant interpretation guidelines (Richards et al. 2015 PMID: 25741868, with internal and published modifications).

NM_001429.4(EP300):c.4172+7C>G

Gene: EP300 (E1A binding protein p300; plus strand). Cytogenetic location: 22q13.2.
Variant type: single nucleotide variant.
Coding change: c.4172+7C>G on transcript NM_001429.4 (MANE Select); 7 bases into the intron after coding-DNA position 4172, C replaced by G.
Molecular consequence: intron variant.
Genome position (GRCh38, 1-based): chr22:41,168,874, C>G. VCF-style: chr22-41168874-C-G. GRCh37 (hg19) VCF-style: chr22-41564878-C-G.
Other names: c.4094+7C>G (NM_001362843.2).
Identifiers: ClinVar variation 3345560 (VCV003345560.1).
Genomic context (GRCh38, chr22:41,168,874, plus strand): 5'-CTTTGGCATGCATGTTCAAGAGTATGGCTCTGACTGCCCTCCACCCAACCAGAGGTATGA[C>G]TAGCTCACAGTGGCTAGCTCCGGATTTGTGTGGGAGTTCCAACTTATAATAGGTGGAAAA-3'